The following is an entry in ClinVar:

NM_002529.4(NTRK1):c.2368G>A (p.Val790Ile)

Gene: NTRK1 (neurotrophic receptor tyrosine kinase 1; plus strand). Cytogenetic location: 1q23.1.
Variant type: single nucleotide variant.
Coding change: c.2368G>A on transcript NM_002529.4 (MANE Select); coding-DNA position 2368, G replaced by A.
Protein change: p.Val790Ile; replaces valine 790 with isoleucine.
Molecular consequence: missense variant.
Genome position (GRCh38, 1-based): chr1:156,881,619, G>A. VCF-style: chr1-156881619-G-A. GRCh37 (hg19) VCF-style: chr1-156851411-G-A.
Other names: c.2260G>A, p.Val754Ile (NM_001007792.1); c.2350G>A, p.Val784Ile (NM_001012331.2); short protein forms V754I, V784I, V790I.
Identifiers: ClinVar variation 811131 (VCV000811131.33), dbSNP rs55948542, ClinGen allele CA1169645.
Genomic context (GRCh38, chr1:156,881,619, plus strand): 5'-CAACGCCACAGCATCAAGGATGTGCACGCCCGGCTGCAAGCCCTGGCCCAGGCACCTCCT[G>A]TCTACCTGGATGTCCTGGGCTAGGGGGCCGGCCCAGGGGCTGGGAGTGGTTAGCCGGAAT-3'
Protein context (NP_002520.2, residues 780-796): RLQALAQAPP[Val790Ile]YLDVLG

ClinVar aggregate classification (germline): Uncertain significance. Review status: criteria provided, multiple submitters, no conflicts (2 of 4 stars). 6 submissions from 6 submitters: Uncertain significance (5). 1 of the submissions does not count toward it. Last evaluated 2024-05-01.

Conditions:
Inborn genetic diseases. Identifiers: MedGen C0950123, MeSH D030342.
Hereditary insensitivity to pain with anhidrosis (CIPA). Also called: NEUROPATHY, CONGENITAL SENSORY, WITH ANHIDROSIS; HSAN Type IV; hereditary sensory and autonomic neuropathy type 4; INSENSITIVITY TO PAIN, CONGENITAL, WITH ANHIDROSIS; FAMILIAL DYSAUTONOMIA, TYPE II; NTRK1 Congenital Insensitivity to Pain with Anhidrosis. Identifiers: Orphanet 642, MedGen C0020074, MONDO:0009746, OMIM 256800.

Allele frequency attached by ClinVar (database versions not stated): ExAC 0.00001; gnomAD exomes 0.00001 and 0.00006; gnomAD 0.00002 and 0.00003; TOPMed 0.00002.
gnomAD v4.1: 87 of 1,609,612 alleles (0.0054%); highest among the groups gnomAD compares: Non-Finnish European, 0.0071%; no homozygotes.

Submissions (6):

CeGaT Center for Human Genetics Tuebingen
Classification: Uncertain significance. Last evaluated: 2024-05-01. Review status: criteria provided, single submitter. Criteria: CeGaT Center For Human Genetics Tuebingen Variant Classification Criteria Version 2. Collection method: clinical testing. Allele origin: germline. Affected: yes. Observed: 1 variant allele.
Comment: NTRK1: PM2, BP4

Ambry Genetics
Classification: Uncertain significance for Inborn genetic diseases. Last evaluated: 2023-09-27. Review status: criteria provided, single submitter. Criteria: Ambry Variant Classification Scheme 2023. Collection method: clinical testing. Allele origin: germline.

Genome-Nilou Lab
Classification: Uncertain significance for Hereditary insensitivity to pain with anhidrosis. Last evaluated: 2023-04-11. Review status: criteria provided, single submitter. Criteria: ACMG Guidelines, 2015. Collection method: clinical testing. Allele origin: germline. Affected: no.

Labcorp Genetics (formerly Invitae), Labcorp
Classification: Uncertain significance for Hereditary insensitivity to pain with anhidrosis. Last evaluated: 2021-08-26. Review status: criteria provided, single submitter. Criteria: Invitae Variant Classification Sherloc (09022015). Collection method: clinical testing. Allele origin: germline.
Comment: This sequence change replaces valine with isoleucine at codon 784 of the NTRK1 protein (p.Val784Ile). The valine residue is moderately conserved and there is a small physicochemical difference between valine and isoleucine. This variant is present in population databases (rs55948542, ExAC 0.002%). This variant has not been reported in the literature in individuals affected with NTRK1-related conditions. Algorithms developed to predict the effect of missense changes on protein structure and function (SIFT, PolyPhen-2, Align-GVGD) all suggest that this variant is likely to be tolerated. In summary, the available evidence is currently insufficient to determine the role of this variant in disease. Therefore, it has been classified as a Variant of Uncertain Significance.

ARUP Laboratories, Molecular Genetics and Genomics, ARUP Laboratories
Classification: Uncertain significance. Last evaluated: 2019-05-02. Review status: criteria provided, single submitter. Criteria: ARUP Molecular Germline Variant Investigation Process. Collection method: clinical testing. Allele origin: germline.
Comment: The NTRK1 c.2350G>A p.Val784Ile variant (rs55948542), to our knowledge, has not been reported in the medical literature or gene specific databases. This variant is found in the general population with an allele frequency in non-Finnish European populations of 0.003% (3/107,766 alleles) in the Genome Aggregation Database. The valine at codon 784 is moderately conserved (Alamut v.2.11) and computational analyses (SIFT, PolyPhen-2) predict that this variant is tolerated. However, based on the available information, the clinical significance of this variant is uncertain.

Natera, Inc.
Classification: Uncertain significance for Hereditary insensitivity to pain with anhidrosis. Last evaluated: 2020-09-16. Review status: no assertion criteria provided. Collection method: clinical testing. Allele origin: germline. Not counted in ClinVar's aggregate classification.